The following is an entry in ClinVar:

ClinVar aggregate classification (germline): Uncertain significance (1 of 4 stars; one submission).

Conditions:
Arginine:glycine amidinotransferase deficiency (CCDS3). Also called: Creatine deficiency syndrome due to AGAT deficiency; GATM deficiency; Cerebral creatine deficiency syndrome 3; AGAT deficiency; L-Arginine:Glycine Amidinotransferase (AGAT) Deficiency; L-Arginine:Glycine Amidinotransferase Deficiency. Identifiers: Orphanet 35704, MedGen C2675179, MONDO:0012996, OMIM 612718.

Submission:

Labcorp Genetics (formerly Invitae), Labcorp
Classification: Uncertain significance for Arginine:glycine amidinotransferase deficiency. Last evaluated: 2022-09-24. Review status: criteria provided, single submitter. Criteria: Invitae Variant Classification Sherloc (09022015). Collection method: clinical testing. Allele origin: germline.
Comment: In summary, the available evidence is currently insufficient to determine the role of this variant in disease. Therefore, it has been classified as a Variant of Uncertain Significance. This variant disrupts a region of the GATM protein in which other variant(s) (p.Arg413Trp, p.Arg413Gln) have been observed in individuals with GATM-related conditions (PMID: 26490222). This suggests that this is a clinically significant region of the protein, and that variants that disrupt it are likely to be disease-causing. This sequence change results in a frameshift in the GATM gene (p.Arg396Leufs*32). While this is not anticipated to result in nonsense mediated decay, it is expected to disrupt the last 28 amino acid(s) of the GATM protein and extend the protein by 3 additional amino acid residues. This variant is not present in population databases (gnomAD no frequency). This variant has not been reported in the literature in individuals affected with GATM-related conditions.

Literature cited by the submitters: PubMed 26490222.

NM_001482.3(GATM):c.1187del (p.Arg396fs)

Gene: GATM (glycine amidinotransferase; minus strand). Cytogenetic location: 15q21.1.
Variant type: Deletion.
Coding change: c.1187del on transcript NM_001482.3 (MANE Select); coding-DNA position 1187, one base deleted (G; older notation c.1187delG).
Protein change: p.Arg396fs; shifts the reading frame from arginine 396.
Molecular consequence: frameshift variant.
Genome position (GRCh38, 1-based): chr15:45,362,194, C deleted on the plus strand (G on the coding strand, the reverse complement: GATM is on the minus strand). VCF-style (leftmost placement, unchanged base first): chr15-45362193-AC-A. GRCh37 (hg19) VCF-style: chr15-45654391-AC-A.
Other names: c.800del, p.Arg267fs (NM_001321015.2); short protein forms R267fs, R396fs.
Identifiers: ClinVar variation 2032441 (VCV002032441.4), dbSNP rs2541981215, ClinGen allele CA2580089499.